The following is an entry in ClinVar:

ClinVar aggregate classification (germline): Uncertain significance (1 of 4 stars; one submission).

Conditions:
Inborn genetic diseases. Identifiers: MedGen C0950123, MeSH D030342.

Submission:

Ambry Genetics
Classification: Uncertain significance for Inborn genetic diseases. Last evaluated: 2026-07-29. Review status: criteria provided, single submitter. Criteria: Ambry Variant Classification Scheme 2023. Collection method: clinical testing. Allele origin: germline.
Comment: The c.271G>A (p.D91N) alteration is located in exon 1 (coding exon 1) of the NR2F1 gene. This alteration results from a G to A substitution at nucleotide position 271, causing the aspartic acid (D) at amino acid position 91 to be replaced by an asparagine (N). This variant was not reported in population-based cohorts in the Genome Aggregation Database (gnomAD). This amino acid position is highly conserved in available vertebrate species. This missense variant is located in a region that has a low rate of benign missense variation (Lek, 2016; Firth, 2009). The in silico prediction for this alteration is inconclusive. Based on insufficient or conflicting evidence, the clinical significance of this alteration remains unclear.

NM_005654.6(NR2F1):c.271G>A (p.Asp91Asn)

Genes: NR2F1 (nuclear receptor subfamily 2 group F member 1; plus strand), NR2F1-AS1 (NR2F1 regulatory antisense RNA 1; minus strand). Cytogenetic location: 5q15.
Variant type: single nucleotide variant.
Coding change: c.271G>A on transcript NM_005654.6 (MANE Select); coding-DNA position 271, G replaced by A.
Protein change: p.Asp91Asn; replaces aspartic acid 91 with asparagine.
Molecular consequence: missense variant.
Genome position (GRCh38, 1-based): chr5:93,585,294, G>A. VCF-style: chr5-93585294-G-A. GRCh37 (hg19) VCF-style: chr5-92921000-G-A.
Other names: short protein forms D91N.
Identifiers: ClinVar variation 5025850 (VCV005025850.1).